The following is an entry in ClinVar:

ClinVar aggregate classification (germline): Uncertain significance (1 of 4 stars; one submission).

Conditions:
Gastrointestinal stromal tumor. Also called: Gastrointestinal stromal tumor, somatic; Gastrointestinal stroma tumor. Identifiers: Orphanet 44890, MedGen C0238198, MeSH D046152, MONDO:0011719, OMIM 606764, HP:0100723.

Submission:

Labcorp Genetics (formerly Invitae), Labcorp
Classification: Uncertain significance for Gastrointestinal stromal tumor. Last evaluated: 2023-03-14. Review status: criteria provided, single submitter. Criteria: Invitae Variant Classification Sherloc (09022015). Collection method: clinical testing. Allele origin: germline.
Comment: In summary, the available evidence is currently insufficient to determine the role of this variant in disease. Therefore, it has been classified as a Variant of Uncertain Significance. Algorithms developed to predict the effect of missense changes on protein structure and function output the following: SIFT: "Not Available"; PolyPhen-2: "Benign"; Align-GVGD: "Not Available". The asparagine amino acid residue is found in multiple mammalian species, which suggests that this missense change does not adversely affect protein function. This variant has not been reported in the literature in individuals affected with KIT-related conditions. This variant is not present in population databases (gnomAD no frequency). This sequence change replaces serine, which is neutral and polar, with asparagine, which is neutral and polar, at codon 375 of the KIT protein (p.Ser375Asn).

NM_000222.3(KIT):c.1124G>A (p.Ser375Asn)

Gene: KIT (KIT proto-oncogene, receptor tyrosine kinase; plus strand). Cytogenetic location: 4q12.
Variant type: single nucleotide variant.
Coding change: c.1124G>A on transcript NM_000222.3 (MANE Select); coding-DNA position 1124, G replaced by A.
Protein change: p.Ser375Asn; replaces serine 375 with asparagine.
Molecular consequence: missense variant.
Genome position (GRCh38, 1-based): chr4:54,709,432, G>A. VCF-style: chr4-54709432-G-A. GRCh37 (hg19) VCF-style: chr4-55575598-G-A.
Other names: c.1124G>A, p.Ser375Asn (NM_001385285.1, NM_001385286.1, NM_001093772.2); c.1127G>A, p.Ser376Asn (NM_001385288.1, NM_001385290.1, NM_001385292.1 and 1 more transcripts); short protein forms S376N, S375N.
Identifiers: ClinVar variation 2845394 (VCV002845394.3), dbSNP rs2475485979, ClinGen allele CA356902017.